The following is an entry in ClinVar:

ClinVar aggregate classification (germline): Uncertain significance. Review status: criteria provided, multiple submitters, no conflicts (2 of 4 stars). 3 submissions from 3 submitters: Uncertain significance (3). Last evaluated 2025-05-05.

Conditions:
Fanconi anemia complementation group J. Also called: BRIP1-Related Fanconi Anemia. Identifiers: Orphanet 84, MedGen C1836860, MONDO:0012187, OMIM 609054.
Familial cancer of breast. Also called: hereditary breast carcinoma; BREAST CANCER, FAMILIAL; Hereditary breast cancer. Identifiers: Orphanet 227535, MedGen C0346153, MONDO:0016419, OMIM 114480. Disease mechanism: loss of function.
Hereditary cancer-predisposing syndrome. Also called: Neoplastic Syndromes, Hereditary; Hereditary neoplastic syndrome; Tumor predisposition; Hereditary Cancer Syndrome. Identifiers: Orphanet 140162, MedGen C0027672, MeSH D009386, MONDO:0015356.

Allele frequency attached by ClinVar (database versions not stated): gnomAD exomes below 0.00001.
gnomAD v4.1: 2 of 1,614,028 alleles (0.00012%); highest among the groups gnomAD compares: Non-Finnish European, 0.00017%; no homozygotes.

Submissions (3):

Ambry Genetics
Classification: Uncertain significance for Hereditary cancer-predisposing syndrome. Last evaluated: 2025-05-05. Review status: criteria provided, single submitter. Criteria: Ambry Variant Classification Scheme 2023. Collection method: clinical testing. Allele origin: germline.
Comment: The p.R261G variant (also known as c.781A>G), located in coding exon 6 of the BRIP1 gene, results from an A to G substitution at nucleotide position 781. The arginine at codon 261 is replaced by glycine, an amino acid with dissimilar properties. This amino acid position is conserved. In addition, this alteration is predicted to be tolerated by in silico analysis. Since supporting evidence is limited at this time, the clinical significance of this alteration remains unclear.

Labcorp Genetics (formerly Invitae), Labcorp
Classification: Uncertain significance for Familial cancer of breast; Fanconi anemia complementation group J. Last evaluated: 2025-05-05. Review status: criteria provided, single submitter. Criteria: Invitae Variant Classification Sherloc (09022015). Collection method: clinical testing. Allele origin: germline.
Comment: This sequence change replaces arginine, which is basic and polar, with glycine, which is neutral and non-polar, at codon 261 of the BRIP1 protein (p.Arg261Gly). This variant is not present in population databases (gnomAD no frequency). This variant has not been reported in the literature in individuals affected with BRIP1-related conditions. ClinVar contains an entry for this variant (Variation ID: 846880). Invitae Evidence Modeling of protein sequence and biophysical properties (such as structural, functional, and spatial information, amino acid conservation, physicochemical variation, residue mobility, and thermodynamic stability) indicates that this missense variant is not expected to disrupt BRIP1 protein function with a negative predictive value of 95%. In summary, the available evidence is currently insufficient to determine the role of this variant in disease. Therefore, it has been classified as a Variant of Uncertain Significance.

Color Diagnostics, LLC DBA Color Health
Classification: Uncertain significance for Hereditary cancer-predisposing syndrome. Last evaluated: 2023-12-04. Review status: criteria provided, single submitter. Criteria: ACMG Guidelines, 2015. Collection method: clinical testing. Allele origin: germline.
Comment: This missense variant replaces arginine with glycine at codon 261 of the BRIP1 protein. Computational prediction suggests that this variant may not impact protein structure and function (internally defined REVEL score threshold <= 0.5, PMID: 27666373). To our knowledge, functional studies have not been reported for this variant. This variant has not been reported in individuals affected with BRIP1-related disorders in the literature. This variant has not been identified in the general population by the Genome Aggregation Database (gnomAD). The available evidence is insufficient to determine the role of this variant in disease conclusively. Therefore, this variant is classified as a Variant of Uncertain Significance.

NM_032043.3(BRIP1):c.781A>G (p.Arg261Gly)

Gene: BRIP1 (BRCA1 interacting DNA helicase 1; minus strand). Cytogenetic location: 17q23.2.
Variant type: single nucleotide variant.
Coding change: c.781A>G on transcript NM_032043.3 (MANE Select); coding-DNA position 781, A replaced by G.
Protein change: p.Arg261Gly; replaces arginine 261 with glycine.
Molecular consequence: missense variant.
Genome position (GRCh38, 1-based): chr17:61,808,604, T>C on the plus strand (A>G on the coding strand, the complement: BRIP1 is on the minus strand). VCF-style: chr17-61808604-T-C. GRCh37 (hg19) VCF-style: chr17-59885965-T-C.
Other names: short protein forms R261G.
Identifiers: ClinVar variation 846880 (VCV000846880.18), dbSNP rs2078111313, ClinGen allele CA400484921.